The following is an entry in ClinVar:

NM_024757.5(EHMT1):c.1604T>C (p.Leu535Pro)

Genes: EHMT1 (euchromatic histone lysine methyltransferase 1; plus strand), LOC130003148 (ATAC-STARR-seq lymphoblastoid active region 29369; plus strand). Cytogenetic location: 9q34.3.
Variant type: single nucleotide variant.
Coding change: c.1604T>C on transcript NM_024757.5 (MANE Select); coding-DNA position 1604, T replaced by C.
Protein change: p.Leu535Pro; replaces leucine 535 with proline.
Molecular consequence: missense variant.
Genome position (GRCh38, 1-based): chr9:137,762,777, T>C. VCF-style: chr9-137762777-T-C. GRCh37 (hg19) VCF-style: chr9-140657229-T-C.
Other names: c.1604T>C, p.Leu535Pro (NM_001145527.2, NM_001354611.2); c.1511T>C, p.Leu504Pro (NM_001354259.2, NM_001354612.2); c.1583T>C, p.Leu528Pro (NM_001354263.2); short protein forms L528P, L535P, L504P.
Identifiers: ClinVar variation 1483185 (VCV001483185.6), dbSNP rs1172239495, ClinGen allele CA375769496.

ClinVar aggregate classification (germline): Uncertain significance (1 of 4 stars; one submission).

Conditions:
Kleefstra syndrome 1 (KLEFS1). Identifiers: Orphanet 261494, MedGen C0795833, MONDO:0027407, OMIM 610253.

Submission:

Labcorp Genetics (formerly Invitae), Labcorp
Classification: Uncertain significance for Kleefstra syndrome 1. Last evaluated: 2024-02-17. Review status: criteria provided, single submitter. Criteria: Invitae Variant Classification Sherloc (09022015). Collection method: clinical testing. Allele origin: germline.
Comment: This sequence change replaces leucine, which is neutral and non-polar, with proline, which is neutral and non-polar, at codon 535 of the EHMT1 protein (p.Leu535Pro). This variant is not present in population databases (gnomAD no frequency). This variant has not been reported in the literature in individuals affected with EHMT1-related conditions. ClinVar contains an entry for this variant (Variation ID: 1483185). Advanced modeling of protein sequence and biophysical properties (such as structural, functional, and spatial information, amino acid conservation, physicochemical variation, residue mobility, and thermodynamic stability) performed at Invitae indicates that this missense variant is not expected to disrupt EHMT1 protein function with a negative predictive value of 80%. In summary, the available evidence is currently insufficient to determine the role of this variant in disease. Therefore, it has been classified as a Variant of Uncertain Significance.